The following is an entry in ClinVar:

NM_000089.4(COL1A2):c.4072G>A (p.Val1358Met)

Gene: COL1A2 (collagen type I alpha 2 chain; plus strand). Cytogenetic location: 7q21.3.
Variant type: single nucleotide variant.
Coding change: c.4072G>A on transcript NM_000089.4 (MANE Select); coding-DNA position 4072, G replaced by A.
Protein change: p.Val1358Met; replaces valine 1358 with methionine.
Molecular consequence: missense variant.
Genome position (GRCh38, 1-based): chr7:94,430,364, G>A. VCF-style: chr7-94430364-G-A. GRCh37 (hg19) VCF-style: chr7-94059676-G-A.
Other names: short protein forms V1358M.
Identifiers: ClinVar variation 4613925 (VCV004613925.1).

ClinVar aggregate classification (germline): Uncertain significance (1 of 4 stars; one submission).

Conditions:
Cardiovascular phenotype. Identifiers: MedGen CN230736.

gnomAD v4.1: 5 of 1,613,980 alleles (0.00031%); highest among the groups gnomAD compares: Non-Finnish European, 0.00042%; no homozygotes.

Submission:

Ambry Genetics
Classification: Uncertain significance for Cardiovascular phenotype. Last evaluated: 2025-11-07. Review status: criteria provided, single submitter. Criteria: Ambry Variant Classification Scheme 2023. Collection method: clinical testing. Allele origin: germline.
Comment: The p.V1358M variant (also known as c.4072G>A), located in coding exon 52 of the COL1A2 gene, results from a G to A substitution at nucleotide position 4072. The valine at codon 1358 is replaced by methionine, an amino acid with highly similar properties. This amino acid position is poorly conserved in available vertebrate species. In addition, this alteration is predicted to be tolerated by in silico analysis. Based on the available evidence, the clinical significance of this variant remains unclear.